The following is an entry in ClinVar:

ClinVar aggregate classification (germline): Uncertain significance. Review status: criteria provided, multiple submitters, no conflicts (2 of 4 stars). 2 submissions from 2 submitters: Uncertain significance (2). Last evaluated 2022-10-17.

Conditions:
Muscular dystrophy-dystroglycanopathy type B6 (MDDGB6). Also called: MUSCULAR DYSTROPHY-DYSTROGLYCANOPATHY (CONGENITAL WITH IMPAIRED INTELLECTUAL DEVELOPMENT), TYPE B, 6; MUSCULAR DYSTROPHY, CONGENITAL, LARGE-RELATED; MUSCULAR DYSTROPHY, CONGENITAL, TYPE 1D. Identifiers: MedGen C1837229, MONDO:0012138, OMIM 608840.

Allele frequency attached by ClinVar (database versions not stated): gnomAD exomes below 0.00001; TOPMed below 0.00001.
gnomAD v4.1: 2 of 1,614,032 alleles (0.00012%); highest among the groups gnomAD compares: Non-Finnish European, 0.00017%; no homozygotes.

Submissions (2):

Labcorp Genetics (formerly Invitae), Labcorp
Classification: Uncertain significance for Muscular dystrophy-dystroglycanopathy type B6. Last evaluated: 2022-10-17. Review status: criteria provided, single submitter. Criteria: Invitae Variant Classification Sherloc (09022015). Collection method: clinical testing. Allele origin: germline.
Comment: This sequence change replaces arginine, which is basic and polar, with glutamine, which is neutral and polar, at codon 448 of the LARGE1 protein (p.Arg448Gln). This variant is not present in population databases (gnomAD no frequency). This variant has not been reported in the literature in individuals affected with LARGE1-related conditions. ClinVar contains an entry for this variant (Variation ID: 423606). Advanced modeling of protein sequence and biophysical properties (such as structural, functional, and spatial information, amino acid conservation, physicochemical variation, residue mobility, and thermodynamic stability) performed at Invitae indicates that this missense variant is not expected to disrupt LARGE1 protein function. In summary, the available evidence is currently insufficient to determine the role of this variant in disease. Therefore, it has been classified as a Variant of Uncertain Significance.

GeneDx
Classification: Uncertain significance. Last evaluated: 2017-02-16. Review status: criteria provided, single submitter. Criteria: GeneDx Variant Classification (06012015). Collection method: clinical testing. Allele origin: germline. Affected: yes.
Comment: The R448Q variant in the LARGE gene has not been reported previously as a pathogenic variant, nor as a benign variant, to our knowledge. The R448Q variant is not observed in large population cohorts (Lek et al., 2016; 1000 Genomes Consortium et al., 2015; Exome Variant Server). The R448Q variant is a semi-conservative amino acid substitution, which may impact secondary protein structure as these residues differ in some properties. This substitution occurs at a position that is conserved across species. In silico analysis is inconsistent in its predictions as to whether or not the variant is damaging to the protein structure/function. We interpret R448Q as a variant of uncertain significance.

NM_133642.5(LARGE1):c.1343G>A (p.Arg448Gln)

Gene: LARGE1 (LARGE xylosyl- and glucuronyltransferase 1; minus strand). Cytogenetic location: 22q12.3.
Variant type: single nucleotide variant.
Coding change: c.1343G>A on transcript NM_133642.5 (MANE Select); coding-DNA position 1343, G replaced by A.
Protein change: p.Arg448Gln; replaces arginine 448 with glutamine.
Molecular consequence: missense variant.
Genome position (GRCh38, 1-based): chr22:33,316,193, C>T on the plus strand (G>A on the coding strand, the complement: LARGE1 is on the minus strand). VCF-style: chr22-33316193-C-T. GRCh37 (hg19) VCF-style: chr22-33712179-C-T.
Other names: c.1343G>A, p.Arg448Gln (NM_001362949.2, NM_001362951.2, NM_001362953.2 and 6 more transcripts); c.1187G>A, p.Arg396Gln (NM_001378629.1); c.740G>A, p.Arg247Gln (NM_001378630.1); c.584G>A, p.Arg195Gln (NM_001378631.1); short protein forms R448Q, R195Q, R247Q, R396Q.
Identifiers: ClinVar variation 423606 (VCV000423606.7), dbSNP rs1064796524, ClinGen allele CA16621117.
Genomic context (GRCh38, chr22:33,316,193, plus strand): 5'-GCAGGCTCATACTCGTAGTGCAGGAAGTACAGGTGGGTGCGGTGGACAGTGAAGCGCTCT[C>T]GCCGGAACTCATAGCACAGGTCGTCCTCGTCCAGCTCAGACAGCTGCTTCTGGAGCTGCA-3'
Protein context (NP_598397.1, residues 438-458): DEDDLCYEFR[Arg448Gln]ERFTVHRTHL